The following is an entry in ClinVar:

ClinVar aggregate classification (germline): Pathogenic (1 of 4 stars; one submission).

Conditions:
Paediatric disorders.

Submission:

North West Genomic Laboratory Hub, Manchester University NHS Foundation Trust
Classification: Pathogenic for Paediatric disorders. Last evaluated: 2026-05-05. Review status: criteria provided, single submitter. Criteria: ACGS Best Practice Guidelines for Variant Classification in Rare Disease 2024. Collection method: clinical testing. Allele origin: germline. Affected: yes.
Comment: PM2_Mod PVS1_VStr

NM_001378120.1(MBD5):c.4002_4003insTT (p.Val1335fs)

Gene: MBD5 (methyl-CpG binding domain protein 5; plus strand). Cytogenetic location: 2q23.1.
Variant type: Insertion.
Coding change: c.4002_4003insTT on transcript NM_001378120.1 (MANE Select); coding-DNA positions 4002 to 4003, TT inserted.
Protein change: p.Val1335fs; shifts the reading frame from valine 1335.
Molecular consequence: frameshift variant.
Genome position: GRCh38 VCF-style: chr2-148489634-G-GTT. GRCh37 (hg19) VCF-style: chr2-149247203-G-GTT.
Other names: c.4002_4003insTT, p.Val1335fs (NM_001438854.1, NM_001438856.1, NM_001438857.1 and 1 more transcripts); c.3303_3304insTT, p.Val1102fs (NM_001438855.1, NM_001438859.1, NM_001438860.1 and 3 more transcripts); short protein forms V1102fs, V1335fs.
Identifiers: ClinVar variation 4975008 (VCV004975008.1).